The following is an entry in ClinVar:

ClinVar aggregate classification (germline): Uncertain significance (1 of 4 stars; one submission).

Conditions:
Familial adenomatous polyposis 1 (FAP1). Also called: POLYPOSIS, ADENOMATOUS INTESTINAL; FAMILIAL ADENOMATOUS POLYPOSIS 1, ATTENUATED. Identifiers: MedGen C2713442, MONDO:0021056, OMIM 175100. Disease mechanism: loss of function.

Submission:

Labcorp Genetics (formerly Invitae), Labcorp
Classification: Uncertain significance for Familial adenomatous polyposis 1. Last evaluated: 2017-02-04. Review status: criteria provided, single submitter. Criteria: Invitae Variant Classification Sherloc (09022015). Collection method: clinical testing. Allele origin: germline.
Comment: This sequence change replaces glutamic acid with aspartic acid at codon 1536 of the APC protein (p.Glu1536Asp). The glutamic acid residue is highly conserved and there is a small physicochemical difference between glutamic acid and aspartic acid. Algorithms developed to predict the effect of missense changes on protein structure and function do not agree on the potential impact of this missense change (SIFT: "Tolerated"; PolyPhen-2: "Possibly Damaging"; Align-GVGD: "Class C0"). This variant is not present in population databases (ExAC no frequency) and has not been reported in the literature in individuals with a APC-related disease. In summary, this variant is a novel missense change with uncertain impact on protein function. It has been classified as a Variant of Uncertain Significance.

NM_000038.6(APC):c.4608A>T (p.Glu1536Asp)

Gene: APC (APC regulator of Wnt signaling pathway; plus strand). Cytogenetic location: 5q22.2.
Variant type: single nucleotide variant.
Coding change: c.4608A>T on transcript NM_000038.6 (MANE Select); coding-DNA position 4608, A replaced by T.
Protein change: p.Glu1536Asp; replaces glutamic acid 1536 with aspartic acid.
Molecular consequence: missense variant.
Genome position (GRCh38, 1-based): chr5:112,840,202, A>T. VCF-style: chr5-112840202-A-T. GRCh37 (hg19) VCF-style: chr5-112175899-A-T.
Other names: c.4608A>T, p.Glu1536Asp (NM_001127510.3, NM_001354895.2); c.4554A>T, p.Glu1518Asp (NM_001127511.3); c.4662A>T, p.Glu1554Asp (NM_001354896.2); c.4638A>T, p.Glu1546Asp (NM_001354897.2); c.4533A>T, p.Glu1511Asp (NM_001354898.2); c.4524A>T, p.Glu1508Asp (NM_001354899.2); c.4485A>T, p.Glu1495Asp (NM_001354900.2); c.4431A>T, p.Glu1477Asp (NM_001354901.2); and 5 more; short protein forms E1536D, E1518D, E1495D, E1376D, E1508D, E1511D, E1554D, E1253D.
Identifiers: ClinVar variation 469971 (VCV000469971.10), dbSNP rs1554086002, ClinGen allele CA16031427.